The following is an entry in ClinVar:

NM_001614.5(ACTG1):c.176A>G (p.Gln59Arg)

Gene: ACTG1 (actin gamma 1; minus strand). Cytogenetic location: 17q25.3.
Variant type: single nucleotide variant.
Coding change: c.176A>G on transcript NM_001614.5 (MANE Select); coding-DNA position 176, A replaced by G.
Protein change: p.Gln59Arg; replaces glutamine 59 with arginine.
Molecular consequence: missense variant. On other transcripts: non-coding transcript variant (1).
Genome position (GRCh38, 1-based): chr17:81,512,090, T>C on the plus strand (A>G on the coding strand, the complement: ACTG1 is on the minus strand). VCF-style: chr17-81512090-T-C. GRCh37 (hg19) VCF-style: chr17-79479116-T-C.
Other names: c.176A>G, p.Gln59Arg (NM_001199954.3); short protein forms Q59R.
Identifiers: ClinVar variation 4855571 (VCV004855571.1).
Genomic context (GRCh38, chr17:81,512,090, plus strand): 5'-CAGTTGGTGACGATGCCATGCTCAATGGGGTACTTCAGGGTCAGGATGCCACGCTTGCTC[T>C]GGGCCTCGTCGCCCACGTAGGAGTCCTTCTGGCCCATGCCCACCATGACGCCCTGCAGGG-3'
Protein context (NP_001605.1, residues 49-69): QKDSYVGDEA[Gln59Arg]SKRGILTLKY

ClinVar aggregate classification (germline): Uncertain significance (1 of 4 stars; one submission).

Conditions:
Baraitser-winter syndrome 2. Identifiers: Orphanet 2995, MedGen C3281235, MONDO:0013812, OMIM 614583.

Submission:

3billion
Classification: Uncertain significance for Baraitser-winter syndrome 2. Last evaluated: 2025-05-19. Review status: criteria provided, single submitter. Criteria: ACMG Guidelines, 2015. Collection method: clinical testing. Allele origin: germline. Affected: yes.
Comment: The variant is observed at an extremely low frequency in the gnomAD v4.1.0 dataset (total allele frequency: <0.001%). Predicted Consequence/Location: Missense variant. Missense changes are a common disease-causing mechanism. In silico tool predictions suggest damaging effect of the variant on gene or gene product [REVEL: 0.82 (>=0.6, sensitivity 0.68 and specificity 0.92); 3Cnet: 0.99 (> 0.75, sensitivity 0.96 and precision 0.92)]. The same nucleotide change resulting in the same amino acid change has been previously reported to be associated with ACTG1-related disorder (PMID: 32028042). However, the evidence of pathogenicity is insufficient at this time. Therefore, this variant is classified as VUS according to the recommendation of ACMG/AMP guideline.

Literature cited by the submitters: PubMed 32028042.